The following is an entry in ClinVar:

NM_000138.5(FBN1):c.3466_3467del (p.Ile1156fs)

Gene: FBN1 (fibrillin 1; minus strand). Cytogenetic location: 15q21.1.
Variant type: Deletion.
Coding change: c.3466_3467del on transcript NM_000138.5 (MANE Select); coding-DNA positions 3466 to 3467, 2 bases deleted (AT; older notation c.3466_3467delAT).
Protein change: p.Ile1156fs; shifts the reading frame from isoleucine 1156.
Molecular consequence: frameshift variant.
Genome position (GRCh38, 1-based): chr15:48,487,197-48,487,198, AT deleted on the plus strand (AT on the coding strand, the reverse complement: FBN1 is on the minus strand). VCF-style (leftmost placement, unchanged base first): chr15-48487196-GAT-G. GRCh37 (hg19) VCF-style: chr15-48779393-GAT-G.
Other names: c.3466_3467del, p.Ile1156fs (NM_001406716.1); short protein forms I1156fs.
Identifiers: ClinVar variation 2941265 (VCV002941265.3), dbSNP rs2505549609, ClinGen allele CA2740096710.
Genomic context (GRCh38, chr15:48,487,196, plus strand): 5'-CCCTATGAGGTTCACGCAACGGCCATTGGGGCACAGGTGTGCACTCAGCTCACATTCATT[GAT>G]GTCTGTCGGGAAAATAAGAAGAACAAACACCCAAACATAAGCTTCCAACTTTGGCAATGA-3'

ClinVar aggregate classification (germline): Pathogenic (1 of 4 stars; one submission).

Conditions:
Marfan syndrome (MFS). Also called: MARFAN SYNDROME, TYPE I; Marfan syndrome type 1; Marfan's syndrome; Marfan syndrome, classic; FBN1-Related Marfan Syndrome. Identifiers: Orphanet 284963, Orphanet 558, MedGen C0024796, MONDO:0007947, OMIM 154700.
Familial thoracic aortic aneurysm and aortic dissection (TAAD). Also called: Thoracic aortic aneurysms and dissections. Identifiers: Orphanet 91387, MedGen C4707243, MONDO:0019625.

Submission:

Labcorp Genetics (formerly Invitae), Labcorp
Classification: Pathogenic for Marfan syndrome; Familial thoracic aortic aneurysm and aortic dissection. Last evaluated: 2022-11-03. Review status: criteria provided, single submitter. Criteria: Invitae Variant Classification Sherloc (09022015). Collection method: clinical testing. Allele origin: germline.
Comment: For these reasons, this variant has been classified as Pathogenic. This variant has not been reported in the literature in individuals affected with FBN1-related conditions. This variant is not present in population databases (gnomAD no frequency). This sequence change creates a premature translational stop signal (p.Ile1156Glnfs*2) in the FBN1 gene. It is expected to result in an absent or disrupted protein product. Loss-of-function variants in FBN1 are known to be pathogenic (PMID: 17657824, 19293843).

Literature cited by the submitters: PubMed 17657824; PubMed 19293843.